The following is an entry in ClinVar:

ClinVar aggregate classification (germline): Uncertain significance (1 of 4 stars; one submission).

Conditions:
Primary ciliary dyskinesia. Also called: Ciliary dyskinesia. Identifiers: Orphanet 244, MedGen C0008780, MONDO:0016575, HP:0012265.

Submission:

Labcorp Genetics (formerly Invitae), Labcorp
Classification: Uncertain significance for Primary ciliary dyskinesia. Last evaluated: 2025-05-19. Review status: criteria provided, single submitter. Criteria: Invitae Variant Classification Sherloc (09022015). Collection method: clinical testing. Allele origin: germline.
Comment: This sequence change replaces methionine, which is neutral and non-polar, with threonine, which is neutral and polar, at codon 981 of the CCDC40 protein (p.Met981Thr). This variant is present in population databases (no rsID available, gnomAD 0.0009%). This variant has not been reported in the literature in individuals affected with CCDC40-related conditions. Invitae Evidence Modeling of protein sequence and biophysical properties (such as structural, functional, and spatial information, amino acid conservation, physicochemical variation, residue mobility, and thermodynamic stability) indicates that this missense variant is not expected to disrupt CCDC40 protein function with a negative predictive value of 80%. In summary, the available evidence is currently insufficient to determine the role of this variant in disease. Therefore, it has been classified as a Variant of Uncertain Significance.

NM_017950.4(CCDC40):c.2942T>C (p.Met981Thr)

Gene: CCDC40 (coiled-coil domain 40 molecular ruler complex subunit; plus strand). Cytogenetic location: 17q25.3.
Variant type: single nucleotide variant.
Coding change: c.2942T>C on transcript NM_017950.4 (MANE Select); coding-DNA position 2942, T replaced by C.
Protein change: p.Met981Thr; replaces methionine 981 with threonine.
Molecular consequence: missense variant.
Genome position (GRCh38, 1-based): chr17:80,095,372, T>C. VCF-style: chr17-80095372-T-C. GRCh37 (hg19) VCF-style: chr17-78069171-T-C.
Other names: short protein forms M981T.
Identifiers: ClinVar variation 4708863 (VCV004708863.1).